The following is an entry in ClinVar:

ClinVar aggregate classification (germline): Uncertain significance. Review status: criteria provided, multiple submitters, no conflicts (2 of 4 stars). 2 submissions from 2 submitters: Uncertain significance (2). Last evaluated 2025-06-12.

Conditions:
Inborn genetic diseases. Identifiers: MedGen C0950123, MeSH D030342.

Allele frequency attached by ClinVar (database versions not stated): gnomAD 0.00001; gnomAD exomes 0.00001 and below 0.00001.
gnomAD v4.1: 5 of 1,613,872 alleles (0.00031%); highest among the groups gnomAD compares: East Asian, 0.0022%; no homozygotes.

Submissions (2):

Ambry Genetics
Classification: Uncertain significance for Inborn genetic diseases. Last evaluated: 2025-06-12. Review status: criteria provided, single submitter. Criteria: Ambry Variant Classification Scheme 2023. Collection method: clinical testing. Allele origin: germline.

GeneDx
Classification: Uncertain significance. Last evaluated: 2024-09-03. Review status: criteria provided, single submitter. Criteria: GeneDx Variant Classification Process June 2021. Collection method: clinical testing. Allele origin: germline. Affected: yes.
Comment: Not observed at significant frequency in large population cohorts (gnomAD); In silico analysis supports that this missense variant has a deleterious effect on protein structure/function; Has not been previously published as pathogenic or benign to our knowledge

NM_001170629.2(CHD8):c.6619G>A (p.Glu2207Lys)

Gene: CHD8 (chromodomain helicase DNA binding protein 8; minus strand). Cytogenetic location: 14q11.2.
Variant type: single nucleotide variant.
Coding change: c.6619G>A on transcript NM_001170629.2 (MANE Select); coding-DNA position 6619, G replaced by A.
Protein change: p.Glu2207Lys; replaces glutamic acid 2207 with lysine.
Molecular consequence: missense variant.
Genome position (GRCh38, 1-based): chr14:21,392,659, C>T on the plus strand (G>A on the coding strand, the complement: CHD8 is on the minus strand). VCF-style: chr14-21392659-C-T. GRCh37 (hg19) VCF-style: chr14-21860818-C-T.
Other names: c.5782G>A, p.Glu1928Lys (NM_020920.4); short protein forms E1928K, E2207K.
Identifiers: ClinVar variation 1217471 (VCV001217471.5), dbSNP rs1291902630, ClinGen allele CA388878509.
Genomic context (GRCh38, chr14:21,392,659, plus strand): 5'-CCTCTGCCATGGAAGCTGCACTACTACTTCGTGGTGTGGGGACTGGAGAGTCACCATATT[C>T]TCCAGGAGTCAATGAGGGACTGTCTAGCAAGTGGTTGCCTGGCCCCAAAATTCCTCCTGT-3'
Protein context (NP_001164100.1, residues 2197-2217): LLDSPSLTPG[Glu2207Lys]YGDSPVPTPR